The following is an entry in ClinVar:

NM_000257.4(MYH7):c.3460G>A (p.Gly1154Ser)

Gene: MYH7 (myosin heavy chain 7; minus strand). Cytogenetic location: 14q11.2.
Variant type: single nucleotide variant.
Coding change: c.3460G>A on transcript NM_000257.4 (MANE Select); coding-DNA position 3460, G replaced by A.
Protein change: p.Gly1154Ser; replaces glycine 1154 with serine.
Molecular consequence: missense variant.
Genome position (GRCh38, 1-based): chr14:23,420,111, C>T on the plus strand (G>A on the coding strand, the complement: MYH7 is on the minus strand). VCF-style: chr14-23420111-C-T. GRCh37 (hg19) VCF-style: chr14-23889320-C-T.
Other names: short protein forms G1154S.
Identifiers: ClinVar variation 629672 (VCV000629672.49), dbSNP rs1211784451, ClinGen allele CA389043818.

ClinVar aggregate classification (germline): Uncertain significance. Review status: criteria provided, multiple submitters, no conflicts (2 of 4 stars). 8 submissions from 8 submitters: Uncertain significance (8). Last evaluated 2026-01-15.

Conditions:
Hypertrophic cardiomyopathy. Also called: HYPERTROPHIC MYOCARDIOPATHY. Identifiers: Orphanet 217569, MedGen C0007194, MeSH D002312, MONDO:0005045, HP:0001639.
Cardiovascular phenotype. Identifiers: MedGen CN230736.
MYH7-related disorder. Also called: MYH7-related condition; MYH7-related disease; MYH7-related disorders.
Cardiomyopathy (CMYO). Also called: Cardiomyopathies. Identifiers: Orphanet 167848, MedGen C0878544, MONDO:0004994, HP:0001638. Inheritance: Various modes of inheritance.
Myosin storage myopathy (CMYO7A). Also called: Scapuloperoneal myopathy, MYH7-related; MYOPATHY, HYALINE BODY, AUTOSOMAL DOMINANT; MYOPATHY WITH LYSIS OF TYPE I MYOFIBRILS; SCAPULOPERONEAL MUSCULAR DYSTROPHY; SCAPULOPERONEAL SYNDROME, MYOPATHIC TYPE; MYH7-related late-onset scapuloperoneal muscular dystrophy. Identifiers: Orphanet 437572, Orphanet 636965, MedGen C1842160, MONDO:0008409, OMIM 608358.

Allele frequency attached by ClinVar (database versions not stated): gnomAD exomes below 0.00001 and 0.00001; gnomAD 0.00001; TOPMed 0.00001.
gnomAD v4.1: 18 of 1,604,348 alleles (0.0011%); highest among the groups gnomAD compares: Admixed American, 0.0017%; no homozygotes.

Submissions (8):

PreventionGenetics, part of Exact Sciences
Classification: Uncertain significance for MYH7-related condition. Last evaluated: 2026-01-15. Review status: criteria provided, single submitter. Criteria: ACMG Guidelines, 2015. Collection method: clinical testing. Allele origin: germline.
Comment: The MYH7 c.3460G>A variant is predicted to result in the amino acid substitution p.Gly1154Ser. This variant has been reported in one individual with cardiomyopathy (Table S8, McGurk et al. 2023. PubMed ID: 37652022). It has also been reported in three carriers in a genome-first analyses of a healthcare-based population (Table S6, Park et al. 2022. PubMed ID: 34542152). This variant is reported in 0.00095% of alleles in individuals of European (Non-Finnish) descent in gnomAD. At this time, the clinical significance of this variant is uncertain due to the absence of conclusive functional and genetic evidence.

Labcorp Genetics (formerly Invitae), Labcorp
Classification: Uncertain significance for Hypertrophic cardiomyopathy. Last evaluated: 2025-10-07. Review status: criteria provided, single submitter. Criteria: Invitae Variant Classification Sherloc (09022015). Collection method: clinical testing. Allele origin: germline.
Comment: This sequence change replaces glycine, which is neutral and non-polar, with serine, which is neutral and polar, at codon 1154 of the MYH7 protein (p.Gly1154Ser). The frequency data for this variant in the population databases is considered unreliable, as metrics indicate poor data quality at this position in the gnomAD database. This missense change has been observed in individuals with clinical features of distal myopathy and/or hypertrophic cardiomyopathy (PMID: 37652022; internal data). ClinVar contains an entry for this variant (Variation ID: 629672). Invitae Evidence Modeling of protein sequence and biophysical properties (such as structural, functional, and spatial information, amino acid conservation, physicochemical variation, residue mobility, and thermodynamic stability) indicates that this missense variant is expected to disrupt MYH7 protein function with a positive predictive value of 95%. In summary, the available evidence is currently insufficient to determine the role of this variant in disease. Therefore, it has been classified as a Variant of Uncertain Significance.

Ambry Genetics
Classification: Uncertain significance for Cardiovascular phenotype. Last evaluated: 2025-07-23. Review status: criteria provided, single submitter. Criteria: Ambry Variant Classification Scheme 2023. Collection method: clinical testing. Allele origin: germline.
Comment: The p.G1154S variant (also known as c.3460G>A), located in coding exon 25 of the MYH7 gene, results from a G to A substitution at nucleotide position 3460. The glycine at codon 1154 is replaced by serine, an amino acid with similar properties. This amino acid position is highly conserved in available vertebrate species. In addition, the in silico prediction for this alteration is inconclusive. Based on the available evidence, the clinical significance of this variant remains unclear.

Genomic Medicine Center of Excellence, King Faisal Specialist Hospital and Research Centre
Classification: Uncertain significance for Myosin storage myopathy. Last evaluated: 2024-09-22. Review status: criteria provided, single submitter. Criteria: ACMG Guidelines, 2015. Collection method: clinical testing. Allele origin: germline.

All of Us Research Program, National Institutes of Health
Classification: Uncertain significance for Cardiomyopathy. Last evaluated: 2024-08-06. Review status: criteria provided, single submitter. Criteria: ACMG Guidelines, 2015. Collection method: clinical testing. Allele origin: germline. Inheritance: Autosomal dominant inheritance. Observed: 6 variant alleles, 6 heterozygotes.
Comment: This missense variant replaces glycine with serine at codon 1154 of the MYH7 protein. Computational prediction is inconclusive regarding the impact of this variant on protein structure and function (internally defined REVEL score threshold 0.5 < inconclusive < 0.7, PMID: 27666373). To our knowledge, functional studies have not been reported for this variant. This variant has not been reported in individuals affected with MYH7-related disorders in the literature. This variant has been identified in 1/235242 chromosomes in the general population by the Genome Aggregation Database (gnomAD). The available evidence is insufficient to determine the role of this variant in disease conclusively. Therefore, this variant is classified as a Variant of Uncertain Significance.

This study involves interpretation of variants in research participants for the purpose of population health screening. Participant phenotype was not available at the time of variant classification. Additional details can be found in publication PMID: 35346344, PMCID: PMC8962531

Color Diagnostics, LLC DBA Color Health
Classification: Uncertain significance for Cardiomyopathy. Last evaluated: 2024-06-19. Review status: criteria provided, single submitter. Criteria: ACMG Guidelines, 2015. Collection method: clinical testing. Allele origin: germline.
Comment: This missense variant replaces glycine with serine at codon 1154 of the MYH7 protein. Computational prediction tools indicate that this variant's impact on protein structure and function is inconclusive. To our knowledge, functional studies have not been reported for this variant. This variant has not been reported in individuals affected with MYH7-related disorders in the literature. This variant has been identified in 1/235242 chromosomes in the general population by the Genome Aggregation Database (gnomAD). The available evidence is insufficient to determine the role of this variant in disease conclusively. Therefore, this variant is classified as a Variant of Uncertain Significance.

CeGaT Center for Human Genetics Tuebingen
Classification: Uncertain significance. Last evaluated: 2022-11-01. Review status: criteria provided, single submitter. Criteria: CeGaT Center For Human Genetics Tuebingen Variant Classification Criteria Version 2. Collection method: clinical testing. Allele origin: germline. Affected: yes. Observed: 1 variant allele.
Comment: MYH7: PP2

GeneDx
Classification: Uncertain significance. Last evaluated: 2022-04-29. Review status: criteria provided, single submitter. Criteria: GeneDx Variant Classification Process June 2021. Collection method: clinical testing. Allele origin: germline. Affected: yes.
Comment: Has not been previously published as pathogenic or benign to our knowledge; Not observed at significant frequency in large population cohorts (gnomAD); In silico analysis supports that this missense variant has a deleterious effect on protein structure/function

Literature cited by the submitters: PubMed 37652022 (cited by Labcorp Genetics (formerly Invitae), Labcorp).